The following is an entry in ClinVar:

ClinVar aggregate classification (germline): Uncertain significance (1 of 4 stars; one submission).

Conditions:
Familial focal epilepsy with variable foci (FPEVF). Identifiers: Orphanet 98820, MedGen C1858477, MONDO:0020310.

Allele frequency attached by ClinVar (database versions not stated): gnomAD exomes below 0.00001.
gnomAD v4.1: 1 of 1,541,434 alleles (0.000065%); highest among the groups gnomAD compares: Non-Finnish European, 0.000087%; no homozygotes.

Submission:

Labcorp Genetics (formerly Invitae), Labcorp
Classification: Uncertain significance for Familial focal epilepsy with variable foci. Last evaluated: 2023-11-24. Review status: criteria provided, single submitter. Criteria: Invitae Variant Classification Sherloc (09022015). Collection method: clinical testing. Allele origin: germline.
Comment: This sequence change replaces threonine, which is neutral and polar, with lysine, which is basic and polar, at codon 1116 of the DEPDC5 protein (p.Thr1116Lys). This variant is not present in population databases (gnomAD no frequency). This variant has not been reported in the literature in individuals affected with DEPDC5-related conditions. Experimental studies and prediction algorithms are not available or were not evaluated, and the functional significance of this variant is currently unknown. In summary, the available evidence is currently insufficient to determine the role of this variant in disease. Therefore, it has been classified as a Variant of Uncertain Significance.

NM_001242896.3(DEPDC5):c.3347C>A (p.Thr1116Lys)

Gene: DEPDC5 (DEP domain containing 5, GATOR1 subcomplex subunit; plus strand). Cytogenetic location: 22q12.3.
Variant type: single nucleotide variant.
Coding change: c.3347C>A on transcript NM_001242896.3 (MANE Select); coding-DNA position 3347, C replaced by A.
Protein change: p.Thr1116Lys; replaces threonine 1116 with lysine.
Molecular consequence: missense variant. On other transcripts: non-coding transcript variant (5).
Genome position (GRCh38, 1-based): chr22:31,870,606, C>A. VCF-style: chr22-31870606-C-A. GRCh37 (hg19) VCF-style: chr22-32266592-C-A.
Other names: c.3320C>A, p.Thr1107Lys (NM_001136029.4); c.3047C>A, p.Thr1016Lys (NM_001242897.2); c.3281C>A, p.Thr1094Lys (NM_001363852.2, NM_001364320.2); c.3113C>A, p.Thr1038Lys (NM_001363854.2, NM_001364319.2); c.3347C>A, p.Thr1116Lys (NM_001364318.2); c.3263C>A, p.Thr1088Lys (NM_001369901.1, NM_001369902.1); c.3254C>A, p.Thr1085Lys (NM_001369903.1, NM_014662.6); short protein forms T1085K, T1088K, T1016K, T1094K, T1107K, T1116K, T1038K.
Identifiers: ClinVar variation 2698245 (VCV002698245.3), dbSNP rs2522180337, ClinGen allele CA411296412.